The following is an entry in ClinVar:

ClinVar aggregate classification (germline): Likely benign. Review status: criteria provided, multiple submitters, no conflicts (2 of 4 stars). 2 submissions from 2 submitters: Likely benign (2). Last evaluated 2025-01-01.

Conditions:
COG1 congenital disorder of glycosylation (CDG2G). Also called: CONGENITAL DISORDER OF GLYCOSYLATION, TYPE IIg; CDG IIg; CDGII/COG1 CEREBROCOSTOMANDIBULAR-LIKE SYNDROME. Identifiers: Orphanet 263508, MedGen C2931011, MONDO:0012637, OMIM 611209.

Allele frequency attached by ClinVar (database versions not stated): gnomAD exomes 0.00004 and 0.00006; ExAC 0.00007; gnomAD 0.00008 and 0.00009; TOPMed 0.00008; 1000 Genomes Project 30x 0.00016; 1000 Genomes Project 0.00020; ESP Exome Variant Server 0.00031.
gnomAD v4.1: 70 of 1,614,212 alleles (0.0043%); highest among the groups gnomAD compares: Middle Eastern, 0.049%; no homozygotes.

Submissions (2):

CeGaT Center for Human Genetics Tuebingen
Classification: Likely benign. Last evaluated: 2025-01-01. Review status: criteria provided, single submitter. Criteria: CeGaT Center For Human Genetics Tuebingen Variant Classification Criteria Version 2. Collection method: clinical testing. Allele origin: germline. Affected: yes. Observed: 1 variant allele.
Comment: COG1: BP4, BP7

Labcorp Genetics (formerly Invitae), Labcorp
Classification: Likely benign for COG1 congenital disorder of glycosylation. Last evaluated: 2024-04-14. Review status: criteria provided, single submitter. Criteria: Invitae Variant Classification Sherloc (09022015). Collection method: clinical testing. Allele origin: germline.

NM_018714.3(COG1):c.2223G>A (p.Pro741=)

Genes: COG1 (component of oligomeric golgi complex 1; plus strand), LOC125316790 (Sharpr-MPRA regulatory region 2581; plus strand). Cytogenetic location: 17q25.1.
Variant type: single nucleotide variant.
Coding change: c.2223G>A on transcript NM_018714.3 (MANE Select); coding-DNA position 2223, G replaced by A.
Protein change: p.Pro741=; no amino-acid change (proline 741 retained).
Molecular consequence: synonymous variant.
Genome position (GRCh38, 1-based): chr17:73,203,634, G>A. VCF-style: chr17-73203634-G-A. GRCh37 (hg19) VCF-style: chr17-71199773-G-A.
Identifiers: ClinVar variation 1584472 (VCV001584472.21), dbSNP rs147260793, ClinGen allele CA8740406.